The following is an entry in ClinVar:

NM_007129.5(ZIC2):c.1019G>C (p.Cys340Ser)

Gene: ZIC2 (Zic family zinc finger 2; plus strand). Cytogenetic location: 13q32.3.
Variant type: single nucleotide variant.
Coding change: c.1019G>C on transcript NM_007129.5 (MANE Select); coding-DNA position 1019, G replaced by C.
Protein change: p.Cys340Ser; replaces cysteine 340 with serine.
Molecular consequence: missense variant.
Genome position (GRCh38, 1-based): chr13:99,983,083, G>C. VCF-style: chr13-99983083-G-C. GRCh37 (hg19) VCF-style: chr13-100635337-G-C.
Other names: short protein forms C340S.
Identifiers: ClinVar variation 947826 (VCV000947826.9), dbSNP rs2053244781, ClinGen allele CA388638612.

ClinVar aggregate classification (germline): Uncertain significance (1 of 4 stars; one submission).

Conditions:
Holoprosencephaly 5 (HPE5). Identifiers: Orphanet 2162, MedGen C1864827, MONDO:0012322, OMIM 609637.

Submission:

Labcorp Genetics (formerly Invitae), Labcorp
Classification: Uncertain significance for Holoprosencephaly 5. Last evaluated: 2019-04-04. Review status: criteria provided, single submitter. Criteria: Invitae Variant Classification Sherloc (09022015). Collection method: clinical testing. Allele origin: germline.
Comment: In summary, the available evidence is currently insufficient to determine the role of this variant in disease. Therefore, it has been classified as a Variant of Uncertain Significance. Algorithms developed to predict the effect of missense changes on protein structure and function are either unavailable or do not agree on the potential impact of this missense change (SIFT: "Deleterious"; PolyPhen-2: "Benign"; Align-GVGD: "Class C65"). This variant has not been reported in the literature in individuals with ZIC2-related conditions. This variant is not present in population databases (ExAC no frequency). This sequence change replaces cysteine with serine at codon 340 of the ZIC2 protein (p.Cys340Ser). The cysteine residue is highly conserved and there is a moderate physicochemical difference between cysteine and serine.